The following is an entry in ClinVar:

NM_001127511.3(APC):c.159C>T (p.Val53=)

Gene: APC (APC regulator of Wnt signaling pathway; plus strand). Cytogenetic location: 5q22.2.
Variant type: single nucleotide variant.
Coding change: c.159C>T on transcript NM_001127511.3; coding-DNA position 159, C replaced by T.
Protein change: p.Val53=; no amino-acid change (valine 53 retained).
Molecular consequence: synonymous variant. On other transcripts: 5 prime UTR variant (8), non-coding transcript variant (1), intron variant (5).
Genome position (GRCh38, 1-based): chr5:112,707,876, C>T. VCF-style: chr5-112707876-C-T. GRCh37 (hg19) VCF-style: chr5-112043573-C-T.
Other names: c.-25C>T (NM_001354895.2, NM_001407447.1, NM_001407452.1 and 3 more transcripts); c.159C>T, p.Val53= (NM_001354897.2, NM_001354902.2, NM_001407446.1); c.-1060C>T (NM_001407470.1, NM_001407472.1); c.-19+227C>T (NM_001407448.1, NM_001407450.1, NM_001407457.1 and 1 more transcripts); c.-43+227C>T (NM_001407453.1).
Identifiers: ClinVar variation 1006594 (VCV001006594.7), dbSNP rs1277365767, ClinGen allele CA802057596.
Genomic context (GRCh38, chr5:112,707,876, plus strand): 5'-CGTCCGGCAGGAGACGAAGAGCCCGGGCGGCGCTCGTACTTCTGGCCACTGGGCGAGCGT[C>T]TGGCAGGTGAGTGAGGCTGCAGGCATTGACGTCTCCTCCCGGCAAAGCTTCCTCGGCTTT-3'

ClinVar aggregate classification (germline): Uncertain significance (1 of 4 stars; one submission).

Conditions:
Familial adenomatous polyposis 1 (FAP1). Also called: FAMILIAL ADENOMATOUS POLYPOSIS 1, ATTENUATED; POLYPOSIS, ADENOMATOUS INTESTINAL. Identifiers: MedGen C2713442, MONDO:0021056, OMIM 175100. Disease mechanism: loss of function.

Allele frequency attached by ClinVar (database versions not stated): gnomAD 0.00001; TOPMed below 0.00001.
gnomAD v4.1: 1 of 1,368,962 alleles (0.000073%); highest among the groups gnomAD compares: African/African-American, 0.0014%; no homozygotes.

Submission:

Labcorp Genetics (formerly Invitae), Labcorp
Classification: Uncertain significance for Familial adenomatous polyposis 1. Last evaluated: 2023-11-28. Review status: criteria provided, single submitter. Criteria: Invitae Variant Classification Sherloc (09022015). Collection method: clinical testing. Allele origin: germline.
Comment: This variant occurs in a non-coding region of the APC gene. It does not change the encoded amino acid sequence of the APC protein. This variant is not present in population databases (gnomAD no frequency). This variant has not been reported in the literature in individuals affected with APC-related conditions. Experimental studies and prediction algorithms are not available or were not evaluated, and the functional significance of this variant is currently unknown. In summary, the available evidence is currently insufficient to determine the role of this variant in disease. Therefore, it has been classified as a Variant of Uncertain Significance.